The following is an entry in ClinVar:

ClinVar aggregate classification (germline): Pathogenic/Likely pathogenic. Review status: criteria provided, multiple submitters, no conflicts (2 of 4 stars). 4 submissions from 4 submitters: Pathogenic (3); Likely pathogenic (1). Last evaluated 2023-10-01.

Conditions:
Encephalopathy due to GLUT1 deficiency. Also called: Classic Glucose Transporter Type 1 Deficiency Syndrome; GLUCOSE TRANSPORT DEFECT, BLOOD-BRAIN BARRIER; GLUT1 deficiency syndrome 1; De Vivo disease; GLUT1 deficiency syndrome 1, infantile onset, severe; Glucose transporter protein syndrome. Identifiers: Orphanet 71277, MedGen C4551966, MONDO:0011724, OMIM 606777.
Childhood onset GLUT1 deficiency syndrome 2. Also called: Exertion-induced paroxysmal dyskinesia; PAROXYSMAL EXERCISE-INDUCED DYSKINESIA WITH OR WITHOUT EPILEPSY AND/OR HEMOLYTIC ANEMIA; PAROXYSMAL EXERTION-INDUCED DYSTONIA WITH OR WITHOUT EPILEPSY AND/OR HEMOLYTIC ANEMIA; PED WITH OR WITHOUT EPILEPSY AND/OR HEMOLYTIC ANEMIA; GLUT1 deficiency syndrome 2; PxMD-SLC2A1. Identifiers: Orphanet 98811, MedGen C1842534, MONDO:0012805, OMIM 612126.

Submissions (4):

CeGaT Center for Human Genetics Tuebingen
Classification: Pathogenic. Last evaluated: 2023-10-01. Review status: criteria provided, single submitter. Criteria: CeGaT Center For Human Genetics Tuebingen Variant Classification Criteria Version 2. Collection method: clinical testing. Allele origin: germline. Affected: yes. Observed: 1 variant allele.
Comment: SLC2A1: PVS1, PM2

Neuberg Centre For Genomic Medicine, NCGM
Classification: Likely pathogenic for Childhood onset GLUT1 deficiency syndrome 2. Last evaluated: 2023-05-20. Review status: criteria provided, single submitter. Criteria: ACMG Guidelines, 2015. Collection method: clinical testing. Allele origin: germline. Inheritance: Autosomal dominant inheritance. Affected: yes.
Comment: The observed frameshift variant in c.742_743del(p.Arg249AlafsTer131) gene has been reported previously in heterozygous state in individual(s) affected with glucose transporter type 1 deficiency syndrome (Akasaka et al., 2018). This variant is absent in gnomAD Exomes. This variant causes a frameshift starting with codon Arginine 249, changes this amino acid to Alanine residue, and creates a premature Stop codon at position 131 of the new reading frame, denoted p.Arg249AlafsTer131. This variant is predicted to cause loss of normal protein function through protein truncation. Loss of function variants have been previously reported to be disease causing (De Giorgis et al., 2015). For these reasons, this variant has been classified as Likely Pathogenic.

Genome-Nilou Lab
Classification: Pathogenic for Encephalopathy due to GLUT1 deficiency. Last evaluated: 2023-04-11. Review status: criteria provided, single submitter. Criteria: ACMG Guidelines, 2015. Collection method: clinical testing. Allele origin: germline. Affected: no.

GeneDx
Classification: Pathogenic. Last evaluated: 2022-07-08. Review status: criteria provided, single submitter. Criteria: GeneDx Variant Classification Process June 2021. Collection method: clinical testing. Allele origin: germline. Affected: yes.
Comment: Frameshift variant predicted to result in protein truncation or nonsense mediated decay in a gene for which loss of function is a known mechanism of disease; Not observed at significant frequency in large population cohorts (gnomAD); This variant is associated with the following publications: (PMID: 30320424, 25564316)

NM_006516.4(SLC2A1):c.742_743del (p.Arg249fs)

Gene: SLC2A1 (solute carrier family 2 member 1; minus strand). Cytogenetic location: 1p34.2.
Variant type: Microsatellite.
Coding change: c.742_743del on transcript NM_006516.4 (MANE Select); coding-DNA positions 742 to 743, 2 bases deleted (AG; older notation c.742_743delAG).
Protein change: p.Arg249fs; shifts the reading frame from arginine 249.
Molecular consequence: frameshift variant.
Genome position (GRCh38, 1-based): chr1:42,929,717-42,929,718, CT deleted on the plus strand (AG on the coding strand, the reverse complement: SLC2A1 is on the minus strand); deleting any 2 consecutive bases within chr1:42,929,717-42,929,722 gives the same sequence; the c. name uses the placement nearest the transcript's 3' end. VCF-style (leftmost placement, unchanged base first): chr1-42929716-ACT-A. GRCh37 (hg19) VCF-style: chr1-43395387-ACT-A.
Other names: short protein forms R249fs.
Identifiers: ClinVar variation 1810596 (VCV001810596.27), dbSNP rs2524992538, ClinGen allele CA2580611158.